The following is an entry in ClinVar:

NM_000053.4(ATP7B):c.1375G>T (p.Val459Leu)

Gene: ATP7B (ATPase copper transporting beta; minus strand). Cytogenetic location: 13q14.3.
Variant type: single nucleotide variant.
Coding change: c.1375G>T on transcript NM_000053.4 (MANE Select); coding-DNA position 1375, G replaced by T.
Protein change: p.Val459Leu; replaces valine 459 with leucine.
Molecular consequence: missense variant.
Genome position (GRCh38, 1-based): chr13:51,970,660, C>A on the plus strand (G>T on the coding strand, the complement: ATP7B is on the minus strand). VCF-style: chr13-51970660-C-A. GRCh37 (hg19) VCF-style: chr13-52544796-C-A.
Other names: c.1375G>T, p.Val459Leu (NM_001005918.3, NM_001330578.2, NM_001330579.2); c.1042G>T, p.Val348Leu (NM_001243182.2); short protein forms V459L, V348L.
Identifiers: ClinVar variation 759091 (VCV000759091.18), dbSNP rs183044693, ClinGen allele CA6989362.
Genomic context (GRCh38, chr13:51,970,660, plus strand): 5'-GGGACTTTGCCAAGATGTCCGGGGCATGGTTTGCAGGGAGCCTCCCAGTGTGGGGAGCCA[C>A]TTCCTGCACAGATGTAGGTGTACCATCTGTAGTTTGCACCATGGAATTCCCAGCACTGTG-3'
Protein context (NP_000044.2, residues 449-469): TDGTPTSVQE[Val459Leu]APHTGRLPAN

ClinVar aggregate classification (germline): Conflicting classifications of pathogenicity. Review status: criteria provided, conflicting classifications (1 of 4 stars). 5 submissions from 5 submitters: Uncertain significance (1); Benign (1); Likely benign (2). 1 of the submissions does not count toward it. Last evaluated 2025-09-15.

Conditions:
Wilson disease (WND). Also called: Wilson's disease. Identifiers: Orphanet 905, MedGen C0019202, MONDO:0010200, OMIM 277900. Disease mechanism: loss of function.

Allele frequency attached by ClinVar (database versions not stated): TOPMed 0.00004; 1000 Genomes Project 30x 0.00062; gnomAD 0.00078 and 0.00080; ExAC 0.00079; 1000 Genomes Project 0.00080; gnomAD exomes 0.00091.
gnomAD v4.1: 656 of 1,614,180 alleles (0.041%); highest among the groups gnomAD compares: Non-Finnish European, 0.0029%; 2 homozygotes.

Submissions (5):

Labcorp Genetics (formerly Invitae), Labcorp
Classification: Benign for Wilson disease. Last evaluated: 2025-09-15. Review status: criteria provided, single submitter. Criteria: Invitae Variant Classification Sherloc (09022015). Collection method: clinical testing. Allele origin: germline.

Color Diagnostics, LLC DBA Color Health
Classification: Likely benign for Wilson disease. Last evaluated: 2025-07-08. Review status: criteria provided, single submitter. Criteria: ACMG Guidelines, 2015. Collection method: clinical testing. Allele origin: germline.

GeneDx
Classification: Uncertain significance. Last evaluated: 2025-06-10. Review status: criteria provided, single submitter. Criteria: GeneDx Variant Classification Process June 2021. Collection method: clinical testing. Allele origin: germline.
Comment: In silico analysis suggests that this missense variant does not alter protein structure/function; Has not been previously published as pathogenic or benign to our knowledge

Blueprint Genetics
Classification: Likely benign. Last evaluated: 2024-11-21. Review status: criteria provided, single submitter. Criteria: ACMG Guidelines, 2015. Collection method: clinical testing. Allele origin: germline.

Natera, Inc.
Classification: Likely benign for Wilson disease. Last evaluated: 2020-05-06. Review status: no assertion criteria provided. Collection method: clinical testing. Allele origin: germline. Not counted in ClinVar's aggregate classification.